The following is an entry in ClinVar:

ClinVar aggregate classification (germline): Uncertain significance (1 of 4 stars; one submission).

Submission:

Labcorp Genetics (formerly Invitae), Labcorp
Classification: Uncertain significance. Last evaluated: 2024-10-22. Review status: criteria provided, single submitter. Criteria: Invitae Variant Classification Sherloc (09022015). Collection method: clinical testing. Allele origin: germline.
Comment: This sequence change replaces arginine, which is basic and polar, with threonine, which is neutral and polar, at codon 176 of the SCN3A protein (p.Arg176Thr). This variant is not present in population databases (gnomAD no frequency). This variant has not been reported in the literature in individuals affected with SCN3A-related conditions. ClinVar contains an entry for this variant (Variation ID: 1378778). Invitae Evidence Modeling of protein sequence and biophysical properties (such as structural, functional, and spatial information, amino acid conservation, physicochemical variation, residue mobility, and thermodynamic stability) has been performed for this missense variant. However, the output from this modeling did not meet the statistical confidence thresholds required to predict the impact of this variant on SCN3A protein function. In summary, the available evidence is currently insufficient to determine the role of this variant in disease. Therefore, it has been classified as a Variant of Uncertain Significance.

NM_006922.4(SCN3A):c.527G>C (p.Arg176Thr)

Gene: SCN3A (sodium voltage-gated channel alpha subunit 3; minus strand). Cytogenetic location: 2q24.3.
Variant type: single nucleotide variant.
Coding change: c.527G>C on transcript NM_006922.4 (MANE Select); coding-DNA position 527, G replaced by C.
Protein change: p.Arg176Thr; replaces arginine 176 with threonine.
Molecular consequence: missense variant.
Genome position (GRCh38, 1-based): chr2:165,164,467, C>G on the plus strand (G>C on the coding strand, the complement: SCN3A is on the minus strand). VCF-style: chr2-165164467-C-G. GRCh37 (hg19) VCF-style: chr2-166020977-C-G.
Other names: c.527G>C, p.Arg176Thr (NM_001081676.2, NM_001081677.2); short protein forms R176T.
Identifiers: ClinVar variation 1378778 (VCV001378778.6), dbSNP rs2105895347, ClinGen allele CA349240050.